The following is an entry in ClinVar:

ClinVar aggregate classification (germline): Uncertain significance (1 of 4 stars; one submission).

Conditions:
Brachyolmia-amelogenesis imperfecta syndrome. Also called: PLATYSPONDYLY WITH AMELOGENESIS IMPERFECTA; Tooth agenesis, selective, 6; Dental anomalies and short stature. Identifiers: Orphanet 2899, MedGen C1832594, MONDO:0011018, OMIM 601216. Disease mechanism: loss of function.

Submission:

Labcorp Genetics (formerly Invitae), Labcorp
Classification: Uncertain significance for Brachyolmia-amelogenesis imperfecta syndrome. Last evaluated: 2024-10-07. Review status: criteria provided, single submitter. Criteria: Invitae Variant Classification Sherloc (09022015). Collection method: clinical testing. Allele origin: germline.
Comment: This variant, c.298_299insGCAGCA, results in the insertion of 2 amino acid(s) of the LTBP3 protein (p.Ser99_Thr100insSerSer), but otherwise preserves the integrity of the reading frame. This variant is not present in population databases (gnomAD no frequency). This variant has not been reported in the literature in individuals affected with LTBP3-related conditions. Experimental studies and prediction algorithms are not available or were not evaluated, and the functional significance of this variant is currently unknown. In summary, the available evidence is currently insufficient to determine the role of this variant in disease. Therefore, it has been classified as a Variant of Uncertain Significance.

NM_001130144.3(LTBP3):c.296GCA[3] (p.Ser99_Thr100insSerSer)

Gene: LTBP3 (latent transforming growth factor beta binding protein 3; minus strand). Cytogenetic location: 11q13.1.
Variant type: Microsatellite.
Coding change: c.296GCA[3] on transcript NM_001130144.3 (MANE Select); three copies in a row of the 3-base unit GCA starting at c.296.
Protein change: p.Ser99_Thr100insSerSer.
Molecular consequence: 5 prime UTR variant (on NM_001164266.1).
Genome position: GRCh38 VCF-style: chr11-65557661-G-GTGCTGC. GRCh37 (hg19) VCF-style: chr11-65325132-G-GTGCTGC.
Other names: c.-52GCA[3] (NM_001164266.1); c.296GCA[3], p.Ser99_Thr100insSerSer (NM_021070.4).
Identifiers: ClinVar variation 3647886 (VCV003647886.2).